The following is an entry in ClinVar:

ClinVar aggregate classification (germline): Uncertain significance. Review status: criteria provided, multiple submitters, no conflicts (2 of 4 stars). 2 submissions from 2 submitters: Uncertain significance (2). Last evaluated 2024-12-31.

Conditions:
Primary ciliary dyskinesia. Also called: Ciliary dyskinesia. Identifiers: Orphanet 244, MedGen C0008780, MONDO:0016575, HP:0012265.

Allele frequency attached by ClinVar (database versions not stated): ExAC 0.00001; gnomAD exomes 0.00001; gnomAD 0.00005; TOPMed 0.00005; ESP Exome Variant Server 0.00008.
gnomAD v4.1: 20 of 1,587,576 alleles (0.0013%); highest among the groups gnomAD compares: African/African-American, 0.0067%; no homozygotes.

Submissions (2):

Ambry Genetics
Classification: Uncertain significance for Primary ciliary dyskinesia. Last evaluated: 2024-12-31. Review status: criteria provided, single submitter. Criteria: Ambry Variant Classification Scheme 2023. Collection method: clinical testing. Allele origin: germline.
Comment: The p.D835Y variant (also known as c.2503G>T), located in coding exon 3 of the DNAAF2 gene, results from a G to T substitution at nucleotide position 2503. The aspartic acid at codon 835 is replaced by tyrosine, an amino acid with highly dissimilar properties. This amino acid position is conserved. In addition, the in silico prediction for this alteration is inconclusive. Based on the available evidence, the clinical significance of this variant remains unclear.

Labcorp Genetics (formerly Invitae), Labcorp
Classification: Uncertain significance for Primary ciliary dyskinesia. Last evaluated: 2022-09-27. Review status: criteria provided, single submitter. Criteria: Invitae Variant Classification Sherloc (09022015). Collection method: clinical testing. Allele origin: germline.
Comment: Algorithms developed to predict the effect of missense changes on protein structure and function are either unavailable or do not agree on the potential impact of this missense change (SIFT: "Deleterious"; PolyPhen-2: "Probably Damaging"; Align-GVGD: "Class C15"). In summary, the available evidence is currently insufficient to determine the role of this variant in disease. Therefore, it has been classified as a Variant of Uncertain Significance. This variant has not been reported in the literature in individuals affected with DNAAF2-related conditions. This variant is present in population databases (rs368195964, gnomAD 0.01%). This sequence change replaces aspartic acid, which is acidic and polar, with tyrosine, which is neutral and polar, at codon 835 of the DNAAF2 protein (p.Asp835Tyr).

NM_018139.3(DNAAF2):c.2503G>T (p.Asp835Tyr)

Gene: DNAAF2 (dynein axonemal assembly factor 2; minus strand). Cytogenetic location: 14q21.3.
Variant type: single nucleotide variant.
Coding change: c.2503G>T on transcript NM_018139.3 (MANE Select); coding-DNA position 2503, G replaced by T.
Protein change: p.Asp835Tyr; replaces aspartic acid 835 with tyrosine.
Molecular consequence: missense variant.
Genome position (GRCh38, 1-based): chr14:49,625,553, C>A on the plus strand (G>T on the coding strand, the complement: DNAAF2 is on the minus strand). VCF-style: chr14-49625553-C-A. GRCh37 (hg19) VCF-style: chr14-50092271-C-A.
Other names: c.2503G>T (NM_018139.2); c.2359G>T, p.Asp787Tyr (NM_001083908.2); c.292G>T, p.Asp98Tyr (NM_001378453.1); short protein forms D835Y, D787Y, D98Y.
Identifiers: ClinVar variation 1895757 (VCV001895757.6), dbSNP rs368195964, ClinGen allele CA7172690.
Genomic context (GRCh38, chr14:49,625,553, plus strand): 5'-TACAGGTATTTTTTAACCTTAATATTTAAAAGTCCAAAATTATATAGAATTAATCCAAAT[C>A]ATATAGCAAAGAATTCTGAAAACTGAATGCACAATTGGTCACATGATCTTTAATGACCTG-3'
Protein context (NP_060609.2, residues 825-837): AFSFQNSLLY[Asp835Tyr]LD